The following is an entry in ClinVar:

ClinVar aggregate classification (germline): Uncertain significance (1 of 4 stars; one submission).

Conditions:
46,XY sex reversal 9 (SRXY9). Also called: 46,XY SEX REVERSAL, ZFPM2-RELATED. Identifiers: Orphanet 251510, MedGen C4015129, MONDO:0014480, OMIM 616067.

Allele frequency attached by ClinVar (database versions not stated): gnomAD exomes 0.00002; gnomAD 0.00003; TOPMed 0.00003.
gnomAD v4.1: 39 of 1,613,652 alleles (0.0024%); highest among the groups gnomAD compares: Admixed American, 0.0033%; no homozygotes.

Submission:

Labcorp Genetics (formerly Invitae), Labcorp
Classification: Uncertain significance for 46,XY sex reversal 9. Last evaluated: 2022-01-28. Review status: criteria provided, single submitter. Criteria: Invitae Variant Classification Sherloc (09022015). Collection method: clinical testing. Allele origin: germline.
Comment: This sequence change replaces serine, which is neutral and polar, with alanine, which is neutral and non-polar, at codon 254 of the ZFPM2 protein (p.Ser254Ala). In summary, the available evidence is currently insufficient to determine the role of this variant in disease. Therefore, it has been classified as a Variant of Uncertain Significance. Algorithms developed to predict the effect of missense changes on protein structure and function (SIFT, PolyPhen-2, Align-GVGD) all suggest that this variant is likely to be tolerated. This variant has not been reported in the literature in individuals affected with ZFPM2-related conditions. This variant is present in population databases (no rsID available, gnomAD 0.006%).

NM_012082.4(ZFPM2):c.760T>G (p.Ser254Ala)

Genes: ZFPM2 (zinc finger protein, FOG family member 2; plus strand), ZFPM2-AS1 (ZFPM2 antisense RNA 1; minus strand). Cytogenetic location: 8q23.1.
Variant type: single nucleotide variant.
Coding change: c.760T>G on transcript NM_012082.4 (MANE Select); coding-DNA position 760, T replaced by G.
Protein change: p.Ser254Ala; replaces serine 254 with alanine.
Molecular consequence: missense variant.
Genome position (GRCh38, 1-based): chr8:105,798,744, T>G. VCF-style: chr8-105798744-T-G. GRCh37 (hg19) VCF-style: chr8-106810972-T-G.
Other names: c.601T>G, p.Ser201Ala (NM_001362836.2); c.364T>G, p.Ser122Ala (NM_001362837.2); short protein forms S122A, S254A, S201A.
Identifiers: ClinVar variation 1494404 (VCV001494404.7), dbSNP rs953556550, ClinGen allele CA182648205.